The following is an entry in ClinVar:

NM_001369.3(DNAH5):c.13265T>A (p.Ile4422Asn)

Gene: DNAH5 (dynein axonemal heavy chain 5; minus strand). Cytogenetic location: 5p15.2.
Variant type: single nucleotide variant.
Coding change: c.13265T>A on transcript NM_001369.3 (MANE Select); coding-DNA position 13265, T replaced by A.
Protein change: p.Ile4422Asn; replaces isoleucine 4422 with asparagine.
Molecular consequence: missense variant.
Genome position (GRCh38, 1-based): chr5:13,708,196, A>T on the plus strand (T>A on the coding strand, the complement: DNAH5 is on the minus strand). VCF-style: chr5-13708196-A-T. GRCh37 (hg19) VCF-style: chr5-13708305-A-T.
Other names: short protein forms I4422N.
Identifiers: ClinVar variation 4881037 (VCV004881037.2).
Genomic context (GRCh38, chr5:13,708,196, plus strand): 5'-GCAGGGATTCTAGCATCAAACATGCAATCCAATGCATCTCGCAGATTTTCGCTCATGATG[A>T]TGGTGCCATCAATAGCAAGTTTCAGCTCAGTGAGGGTGCTGCGGACAAGGCTGAGTACCC-3'
Protein context (NP_001360.1, residues 4412-4432): TELKLAIDGT[Ile4422Asn]IMSENLRDAL

ClinVar aggregate classification (germline): Uncertain significance (1 of 4 stars; one submission).

Submission:

Dasa
Classification: Uncertain significance. Last evaluated: 2026-03-02. Review status: criteria provided, single submitter. Criteria: DASA Assertion Criteria. Collection method: clinical testing. Allele origin: germline.
Comment: NM_001369.3(DNAH5):c.13265T>A (p.Ile4422Asn) is a missense variant that results in the substitution of isoleucine with asparagine. This variant is absent from population databases. The currently available literature and clinical evidence are not sufficient to establish a definitive association between this variant and the reported condition. Therefore, this variant is classified as a variant of uncertain significance.